The following is an entry in ClinVar:

ClinVar aggregate classification (germline): Uncertain significance (1 of 4 stars; one submission).

Conditions:
Neuroblastoma, susceptibility to, 3. Also called: ALK-Related Neuroblastic Tumor Susceptibility. Identifiers: Orphanet 635, MedGen C2751681, MONDO:0013083, OMIM 613014.

Submission:

Labcorp Genetics (formerly Invitae), Labcorp
Classification: Uncertain significance for Neuroblastoma, susceptibility to, 3. Last evaluated: 2020-02-03. Review status: criteria provided, single submitter. Criteria: Invitae Variant Classification Sherloc (09022015). Collection method: clinical testing. Allele origin: germline.
Comment: This variant is not present in population databases (ExAC no frequency). This variant has not been reported in the literature in individuals with ALK-related conditions. Algorithms developed to predict the effect of missense changes on protein structure and function are either unavailable or do not agree on the potential impact of this missense change (SIFT: "Deleterious"; PolyPhen-2: "Probably Damaging"; Align-GVGD: "Class C0"). In summary, the available evidence is currently insufficient to determine the role of this variant in disease. Therefore, it has been classified as a Variant of Uncertain Significance. This sequence change replaces alanine with aspartic acid at codon 421 of the ALK protein (p.Ala421Asp). The alanine residue is moderately conserved and there is a moderate physicochemical difference between alanine and aspartic acid.

NM_004304.5(ALK):c.1262C>A (p.Ala421Asp)

Gene: ALK (ALK receptor tyrosine kinase; minus strand). Cytogenetic location: 2p23.2.
Variant type: single nucleotide variant.
Coding change: c.1262C>A on transcript NM_004304.5 (MANE Select); coding-DNA position 1262, C replaced by A.
Protein change: p.Ala421Asp; replaces alanine 421 with aspartic acid.
Molecular consequence: missense variant.
Genome position (GRCh38, 1-based): chr2:29,383,752, G>T on the plus strand (C>A on the coding strand, the complement: ALK is on the minus strand). VCF-style: chr2-29383752-G-T. GRCh37 (hg19) VCF-style: chr2-29606618-G-T.
Other names: short protein forms A421D.
Identifiers: ClinVar variation 1008978 (VCV001008978.9), dbSNP rs1267142388, ClinGen allele CA346585084.